The following is an entry in ClinVar:

ClinVar aggregate classification (germline): Benign/Likely benign. Review status: criteria provided, multiple submitters, no conflicts (2 of 4 stars). 4 submissions from 4 submitters: Benign (2); Likely benign (2). Last evaluated 2026-05-12.

Conditions:
ALPK1-related disorder. Also called: ALPK1-related condition.

Allele frequency attached by ClinVar (database versions not stated): ESP Exome Variant Server 0.00008; 1000 Genomes Project 30x 0.00016; 1000 Genomes Project 0.00020; gnomAD 0.00021; gnomAD exomes 0.00024; TOPMed 0.00029; ExAC 0.00033.
gnomAD v4.1: 399 of 1,604,006 alleles (0.025%); highest among the groups gnomAD compares: Middle Eastern, 0.76%; 1 homozygote.

Submissions (4):

PreventionGenetics, part of Exact Sciences
Classification: Likely benign for ALPK1-related condition. Last evaluated: 2026-05-12. Review status: criteria provided, single submitter. Criteria: ACMG Guidelines, 2015. Collection method: clinical testing. Allele origin: germline.
Comment: This variant is classified as likely benign based on ACMG/AMP sequence variant interpretation guidelines (Richards et al. 2015 PMID: 25741868, with internal and published modifications).

Women's Health and Genetics/Laboratory Corporation of America, LabCorp
Classification: Benign. Last evaluated: 2026-04-01. Review status: criteria provided, single submitter. Criteria: LabCorp Variant Classification Summary - May 2015. Collection method: clinical testing. Allele origin: germline.
Comment: Variant summary: ALPK1 c.3034+10A>G alters a nucleotide located at a position not widely known to affect splicing. Consensus agreement among computation tools predict no significant impact on normal splicing. However, these predictions have yet to be confirmed by functional studies. The variant allele was found at a frequency of 0.00042 in 240618 control chromosomes in the gnomAD database, including 1 homozygotes. The observed variant frequency exceeds the estimated maximal expected allele frequency for disease-causing variants in ALPK1. To our knowledge, no occurrence of c.3034+10A>G in individuals affected with ALPK1-related conditions and no experimental evidence demonstrating its impact on protein function have been reported. ClinVar contains an entry for this variant (Variation ID: 2072332). Based on the evidence outlined above, the variant was classified as benign.

Labcorp Genetics (formerly Invitae), Labcorp
Classification: Benign. Last evaluated: 2026-01-06. Review status: criteria provided, single submitter. Criteria: Invitae Variant Classification Sherloc (09022015). Collection method: clinical testing. Allele origin: germline.

Blueprint Genetics
Classification: Likely benign. Last evaluated: 2024-11-18. Review status: criteria provided, single submitter. Criteria: ACMG Guidelines, 2015. Collection method: clinical testing. Allele origin: germline.

NM_025144.4(ALPK1):c.3034+10A>G

Gene: ALPK1 (alpha kinase 1; plus strand). Cytogenetic location: 4q25.
Variant type: single nucleotide variant.
Coding change: c.3034+10A>G on transcript NM_025144.4 (MANE Select); 10 bases into the intron after coding-DNA position 3034, A replaced by G.
Molecular consequence: intron variant.
Genome position (GRCh38, 1-based): chr4:112,432,591, A>G. VCF-style: chr4-112432591-A-G. GRCh37 (hg19) VCF-style: chr4-113353747-A-G.
Other names: c.3034+10A>G (NM_001102406.1, NM_001102406.2); c.2800+10A>G (NM_001253884.2).
Identifiers: ClinVar variation 2072332 (VCV002072332.7), dbSNP rs149400383, ClinGen allele CA3047055.